The following is an entry in ClinVar:

ClinVar aggregate classification (germline): Uncertain significance (1 of 4 stars; one submission).

Conditions:
Duchenne muscular dystrophy (DMD). Also called: MUSCULAR DYSTROPHY, PSEUDOHYPERTROPHIC PROGRESSIVE, DUCHENNE TYPE; Duchenne Muscular Dystrophy (DMD). Identifiers: Orphanet 98896, MedGen C0013264, MONDO:0010679, OMIM 310200.

Submission:

Labcorp Genetics (formerly Invitae), Labcorp
Classification: Uncertain significance for Duchenne muscular dystrophy. Last evaluated: 2024-03-01. Review status: criteria provided, single submitter. Criteria: Invitae Variant Classification Sherloc (09022015). Collection method: clinical testing. Allele origin: germline.
Comment: This sequence change replaces glutamine, which is neutral and polar, with histidine, which is basic and polar, at codon 1791 of the DMD protein (p.Gln1791His). This variant is not present in population databases (gnomAD no frequency). This variant has not been reported in the literature in individuals affected with DMD-related conditions. Advanced modeling of protein sequence and biophysical properties (such as structural, functional, and spatial information, amino acid conservation, physicochemical variation, residue mobility, and thermodynamic stability) performed at Invitae indicates that this missense variant is not expected to disrupt DMD protein function with a negative predictive value of 95%. In summary, the available evidence is currently insufficient to determine the role of this variant in disease. Therefore, it has been classified as a Variant of Uncertain Significance.

NM_004006.3(DMD):c.5373A>T (p.Gln1791His)

Gene: DMD (dystrophin; minus strand). Cytogenetic location: Xp21.1.
Variant type: single nucleotide variant.
Coding change: c.5373A>T on transcript NM_004006.3 (MANE Select); coding-DNA position 5373, A replaced by T.
Protein change: p.Gln1791His; replaces glutamine 1791 with histidine.
Molecular consequence: missense variant.
Genome position (GRCh38, 1-based): chrX:32,348,481, T>A on the plus strand (A>T on the coding strand, the complement: DMD is on the minus strand). VCF-style: chrX-32348481-T-A. GRCh37 (hg19) VCF-style: chrX-32366598-T-A.
Other names: c.5349A>T, p.Gln1783His (NM_000109.4); c.5361A>T, p.Gln1787His (NM_004009.3); c.5004A>T, p.Gln1668His (NM_004010.3); c.1350A>T, p.Gln450His (NM_004011.4); c.1341A>T, p.Gln447His (NM_004012.4); short protein forms Q1791H, Q1783H, Q1668H, Q1787H, Q447H, Q450H.
Identifiers: ClinVar variation 3634821 (VCV003634821.2).